The following is an entry in ClinVar:

ClinVar aggregate classification (germline): Conflicting classifications of pathogenicity. Review status: criteria provided, conflicting classifications (1 of 4 stars). 3 submissions from 3 submitters: Uncertain significance (2); Likely benign (1). Last evaluated 2025-10-23.

Conditions:
Fanconi anemia (FA). Also called: Fanconi's anemia. Identifiers: Orphanet 84, MedGen C0015625, MeSH D005199, MONDO:0019391.
Fanconi anemia complementation group B (FANCB). Also called: FANCONI PANCYTOPENIA, TYPE 2; FANCB-Related Fanconi Anemia. Identifiers: Orphanet 84, MedGen C1845292, MONDO:0010351, OMIM 300514.

Allele frequency attached by ClinVar (database versions not stated): TOPMed 0.00002.
gnomAD v4.1: 6 of 1,200,628 alleles (0.0005%); highest among the groups gnomAD compares: African/African-American, 0.0088%; no homozygotes.

Submissions (3):

Labcorp Genetics (formerly Invitae), Labcorp
Classification: Uncertain significance for Fanconi anemia. Last evaluated: 2025-10-23. Review status: criteria provided, single submitter. Criteria: Invitae Variant Classification Sherloc (09022015). Collection method: clinical testing. Allele origin: germline.
Comment: This sequence change replaces arginine, which is basic and polar, with proline, which is neutral and non-polar, at codon 613 of the FANCB protein (p.Arg613Pro). This variant is present in population databases (no rsID available, gnomAD 0.02%), including at least one homozygous and/or hemizygous individual. This variant has not been reported in the literature in individuals affected with FANCB-related conditions. ClinVar contains an entry for this variant (Variation ID: 1045558). Invitae Evidence Modeling of protein sequence and biophysical properties (such as structural, functional, and spatial information, amino acid conservation, physicochemical variation, residue mobility, and thermodynamic stability) has been performed for this missense variant. However, the output from this modeling did not meet the statistical confidence thresholds required to predict the impact of this variant on FANCB protein function. In summary, the available evidence is currently insufficient to determine the role of this variant in disease. Therefore, it has been classified as a Variant of Uncertain Significance.

Fulgent Genetics
Classification: Likely benign for Fanconi anemia complementation group B. Last evaluated: 2024-06-14. Review status: criteria provided, single submitter. Criteria: ACMG Guidelines, 2015. Collection method: clinical testing. Allele origin: germline.

Breakthrough Genomics
Classification: Uncertain significance. Review status: criteria provided, single submitter. Criteria: ACMG Guidelines, 2015. Collection method: not provided. Allele origin: germline. Inheritance: X-linked recessive inheritance. Affected: yes.

NM_001018113.3(FANCB):c.1838G>C (p.Arg613Pro)

Gene: FANCB (FA complementation group B; minus strand). Cytogenetic location: Xp22.2.
Variant type: single nucleotide variant.
Coding change: c.1838G>C on transcript NM_001018113.3 (MANE Select); coding-DNA position 1838, G replaced by C.
Protein change: p.Arg613Pro; replaces arginine 613 with proline.
Molecular consequence: missense variant.
Genome position (GRCh38, 1-based): chrX:14,844,945, C>G on the plus strand (G>C on the coding strand, the complement: FANCB is on the minus strand). VCF-style: chrX-14844945-C-G. GRCh37 (hg19) VCF-style: chrX-14863067-C-G.
Other names: c.1838G>C, p.Arg613Pro (NM_001324162.2, NM_152633.4); short protein forms R613P.
Identifiers: ClinVar variation 1045558 (VCV001045558.7), dbSNP rs144764663, ClinGen allele CA327057889.